The following is an entry in ClinVar:

ClinVar aggregate classification (germline): Pathogenic. Review status: criteria provided, single submitter (1 of 4 stars). 2 submissions from 2 submitters: Pathogenic (1). 1 of the submissions does not count toward it. Last evaluated 2024-12-15.

Conditions:
Classic homocystinuria. Also called: Homocystinuria due to Cystathionine Beta-Synthase Deficiency; Homocystinuria due to CBS deficiency; Cystathionine beta-synthase deficiency; CBS deficiency; HOMOCYSTINURIA WITH OR WITHOUT RESPONSE TO PYRIDOXINE. Identifiers: Orphanet 394, MedGen C0751202, MONDO:0009352, OMIM 236200.
HYPERHOMOCYSTEINEMIA, THROMBOTIC, CBS-RELATED. Identifiers: MedGen C3150344, OMIM 236200.

Submissions (2):

Labcorp Genetics (formerly Invitae), Labcorp
Classification: Pathogenic for HYPERHOMOCYSTEINEMIA, THROMBOTIC, CBS-RELATED. Last evaluated: 2024-12-15. Review status: criteria provided, single submitter. Criteria: Invitae Variant Classification Sherloc (09022015). Collection method: clinical testing. Allele origin: germline.
Comment: This sequence change replaces cysteine, which is neutral and slightly polar, with glycine, which is neutral and non-polar, at codon 165 of the CBS protein (p.Cys165Gly). This variant is not present in population databases (gnomAD no frequency). This missense change has been observed in individual(s) with clinical features of homocystinuria due to CBS deficiency (internal data). In at least one individual the data is consistent with being in trans (on the opposite chromosome) from a pathogenic variant. ClinVar contains an entry for this variant (Variation ID: 580466). Invitae Evidence Modeling of protein sequence and biophysical properties (such as structural, functional, and spatial information, amino acid conservation, physicochemical variation, residue mobility, and thermodynamic stability) indicates that this missense variant is expected to disrupt CBS protein function with a positive predictive value of 95%. This variant disrupts the p.Cys165 amino acid residue in CBS. Other variant(s) that disrupt this residue have been determined to be pathogenic (PMID: 7635485, 10215408). This suggests that this residue is clinically significant, and that variants that disrupt this residue are likely to be disease-causing. For these reasons, this variant has been classified as Pathogenic.

Natera, Inc.
Classification: Uncertain significance for Homocystinuria due to cystathionine beta-synthase deficiency. Last evaluated: 2021-06-26. Review status: no assertion criteria provided. Collection method: clinical testing. Allele origin: germline. Not counted in ClinVar's aggregate classification.

Literature cited by the submitters: PubMed 7635485 (cited by Labcorp Genetics (formerly Invitae), Labcorp); PubMed 10215408 (cited by Labcorp Genetics (formerly Invitae), Labcorp).

NM_000071.3(CBS):c.493T>G (p.Cys165Gly)

Gene: CBS (cystathionine beta-synthase; minus strand). Cytogenetic location: 21q22.3.
Variant type: single nucleotide variant.
Coding change: c.493T>G on transcript NM_000071.3 (MANE Select); coding-DNA position 493, T replaced by G.
Protein change: p.Cys165Gly; replaces cysteine 165 with glycine.
Molecular consequence: missense variant.
Genome position (GRCh38, 1-based): chr21:43,065,654, A>C on the plus strand (T>G on the coding strand, the complement: CBS is on the minus strand). VCF-style: chr21-43065654-A-C. GRCh37 (hg19) VCF-style: chr21-44485764-A-C.
Other names: c.493T>G, p.Cys165Gly (NM_001178008.3, NM_001178009.3, NM_001320298.2); c.178T>G, p.Cys60Gly (NM_001321072.1); short protein forms C165G, C60G.
Identifiers: ClinVar variation 580466 (VCV000580466.13), dbSNP rs1234354755, ClinGen allele CA410601405.